The following is an entry in ClinVar:

NM_001267550.2(TTN):c.18781T>A (p.Cys6261Ser)

Genes: TTN (titin; minus strand), LOC126806430 (BRD4-independent group 4 enhancer GRCh37_chr2:179593794-179594993; plus strand). Cytogenetic location: 2q31.2.
Variant type: single nucleotide variant.
Coding change: c.18781T>A on transcript NM_001267550.2 (MANE Select); coding-DNA position 18781, T replaced by A.
Protein change: p.Cys6261Ser; replaces cysteine 6261 with serine.
Molecular consequence: missense variant. On other transcripts: intron variant (3).
Genome position (GRCh38, 1-based): chr2:178,729,375, A>T on the plus strand (T>A on the coding strand, the complement: TTN is on the minus strand). VCF-style: chr2-178729375-A-T. GRCh37 (hg19) VCF-style: chr2-179594102-A-T.
Other names: p.Cys5017Ser; c.17830T>A, p.Cys5944Ser (NM_001256850.1); c.15049T>A, p.Cys5017Ser (NM_133378.4); c.13282+8707T>A (NM_003319.4); c.13858+8707T>A (NM_133437.4); c.13657+8707T>A (NM_133432.3); short protein forms C5017S, C5944S, C6261S.
Identifiers: ClinVar variation 3379378 (VCV003379378.1).

ClinVar aggregate classification (germline): Uncertain significance (1 of 4 stars; one submission).

Submission:

Mayo Clinic Laboratories, Mayo Clinic
Classification: Uncertain significance. Last evaluated: 2024-08-09. Review status: criteria provided, single submitter. Criteria: ACMG Guidelines, 2015. Collection method: clinical testing. Allele origin: germline. Observed: 1 variant allele.
Comment: PM2